The following is an entry in ClinVar:

ClinVar aggregate classification (germline): Uncertain significance (1 of 4 stars; one submission).

Submissions (4):

Labcorp Genetics (formerly Invitae), Labcorp
Classification: Uncertain significance. Last evaluated: 2022-04-29. Review status: criteria provided, single submitter. Criteria: Invitae Variant Classification Sherloc (09022015). Collection method: clinical testing. Allele origin: germline.
Comment: This variant has not been reported in the literature in individuals affected with USP9X-related conditions. This variant is not present in population databases (gnomAD no frequency). This sequence change replaces histidine, which is basic and polar, with leucine, which is neutral and non-polar, at codon 885 of the USP9X protein (p.His885Leu). Algorithms developed to predict the effect of missense changes on protein structure and function are either unavailable or do not agree on the potential impact of this missense change (SIFT: "Deleterious"; PolyPhen-2: "Possibly Damaging"; Align-GVGD: "Class C0"). In summary, the available evidence is currently insufficient to determine the role of this variant in disease. Therefore, it has been classified as a Variant of Uncertain Significance.

Dr. Peter K. Rogan Lab, Western University
No classification provided (evidence only). Condition: Nonpapillary renal cell carcinoma. Review status: no classification provided. Collection method: in vitro. Allele origin: not applicable. Functional consequence: retained intron. Not counted in ClinVar's aggregate classification.

Dr. Peter K. Rogan Lab, Western University
No classification provided (evidence only). Condition: Nonpapillary renal cell carcinoma. Review status: no classification provided. Collection method: in vitro. Allele origin: not applicable. Functional consequence: retained intron. Not counted in ClinVar's aggregate classification.

Dr. Peter K. Rogan Lab, Western University
No classification provided (evidence only). Condition: Nonpapillary renal cell carcinoma. Review status: no classification provided. Collection method: in vitro. Allele origin: not applicable. Functional consequence: retained intron. Not counted in ClinVar's aggregate classification.

NM_001039591.3(USP9X):c.2654A>T (p.His885Leu)

Gene: USP9X (ubiquitin specific peptidase 9 X-linked; plus strand). Cytogenetic location: Xp11.4.
Variant type: single nucleotide variant.
Coding change: c.2654A>T on transcript NM_001039591.3 (MANE Select); coding-DNA position 2654, A replaced by T.
Protein change: p.His885Leu; replaces histidine 885 with leucine.
Molecular consequence: missense variant.
Genome position (GRCh38, 1-based): chrX:41,170,012, A>T. VCF-style: chrX-41170012-A-T. GRCh37 (hg19) VCF-style: chrX-41029265-A-T.
Other names: c.2654A>T, p.His885Leu (NM_001039590.3); c.2669A>T, p.His890Leu (NM_001410748.1, NM_001410749.1); short protein forms H885L, H890L.
Identifiers: ClinVar variation 2106743 (VCV002106743.5), dbSNP rs2519224505, ClinGen allele CA412758030.
Genomic context (GRCh38, chrX:41,170,012, plus strand): 5'-GTCTGCTGAATATGATGATGTCTGTCTTTCTTTTTCCCCCCAGAGCATTCCGCGGTAAAC[A>T]CCTCTCTTTTGTAGTTCGATTTCCAAACCAGGGCAGACAGGTTGATGACTTGGAGGTATG-3'
Protein context (NP_001034680.2, residues 875-895): LPMSRAFRGK[His885Leu]LSFVVRFPNQ